The following is an entry in ClinVar:

ClinVar aggregate classification (germline): Likely benign. Review status: criteria provided, multiple submitters, no conflicts (2 of 4 stars). 2 submissions from 2 submitters: Likely benign (2). Last evaluated 2023-01-01.

Submissions (2):

CeGaT Center for Human Genetics Tuebingen
Classification: Likely benign. Last evaluated: 2023-01-01. Review status: criteria provided, single submitter. Criteria: CeGaT Center For Human Genetics Tuebingen Variant Classification Criteria Version 2. Collection method: clinical testing. Allele origin: germline. Affected: yes. Observed: 1 variant allele.
Comment: ATP1A1: PM2:Supporting, BP4, BP7

Labcorp Genetics (formerly Invitae), Labcorp
Classification: Likely benign. Last evaluated: 2022-08-23. Review status: criteria provided, single submitter. Criteria: Invitae Variant Classification Sherloc (09022015). Collection method: clinical testing. Allele origin: germline.

NM_000701.8(ATP1A1):c.2736A>G (p.Lys912=)

Genes: ATP1A1 (ATPase Na+/K+ transporting subunit alpha 1; plus strand), ATP1A1-AS1 (ATP1A1 antisense RNA 1; minus strand). Cytogenetic location: 1p13.1.
Variant type: single nucleotide variant.
Coding change: c.2736A>G on transcript NM_000701.8 (MANE Select); coding-DNA position 2736, A replaced by G.
Protein change: p.Lys912=; no amino-acid change (lysine 912 retained).
Molecular consequence: synonymous variant.
Genome position (GRCh38, 1-based): chr1:116,401,147, A>G. VCF-style: chr1-116401147-A-G. GRCh37 (hg19) VCF-style: chr1-116943769-A-G.
Other names: c.2736A>G, p.Lys912= (NM_001160233.2); c.2643A>G, p.Lys881= (NM_001160234.2).
Identifiers: ClinVar variation 1607719 (VCV001607719.32), dbSNP rs1570980384, ClinGen allele CA419904997.